The following is an entry in ClinVar:

ClinVar aggregate classification (germline): Likely pathogenic (1 of 4 stars; one submission).

Conditions:
alpha Thalassemia. Also called: Alpha thalassemia spectrum. Identifiers: Orphanet 846, MedGen C0002312, MONDO:0011399, OMIM 604131.

Submission:

Natera, Inc.
Classification: Likely pathogenic for Alpha thalassemia. Last evaluated: 2025-08-29. Review status: criteria provided, single submitter. Criteria: Natera Variant Classification Schema (03/2026). Collection method: clinical testing. Allele origin: germline.
Comment: The c.96-23_117del variant in HBA2 is a deletion affecting a canonical splice acceptor site. This variant is expected to result in nonsense mediated decay, truncation, or a dysfunctional protein product. This variant is rare in the general population with a frequency below the threshold expected for the associated phenotype(s). Given the available evidence, this variant is classified as Likely Pathogenic.

NM_000517.6(HBA2):c.96-23_117del

Genes: HBA2 (hemoglobin subunit alpha 2; plus strand), LOC106804612 (hemoglobin subunit alpha 2 recombination region; plus strand). Cytogenetic location: 16p13.3.
Variant type: Deletion.
Coding change: c.96-23_117del on transcript NM_000517.6 (MANE Select); 23 bases into the intron before coding-DNA position 96 through coding-DNA position 117, 45 bases deleted.
Molecular consequence: splice acceptor variant.
Genome position (GRCh38, 1-based): chr16:173,102-173,146, 45 bases deleted; deleting any 45 consecutive bases within chr16:173,095-173,146 gives the same sequence; the c. name uses the placement nearest the transcript's 3' end. GRCh37 (hg19): chr16:223,101-223,145.
Identifiers: ClinVar variation 4818685 (VCV004818685.1).